The following is an entry in ClinVar:

NM_000098.3(CPT2):c.436A>G (p.Asn146Asp)

Gene: CPT2 (carnitine palmitoyltransferase 2; plus strand). Cytogenetic location: 1p32.3.
Variant type: single nucleotide variant.
Coding change: c.436A>G on transcript NM_000098.3 (MANE Select); coding-DNA position 436, A replaced by G.
Protein change: p.Asn146Asp; replaces asparagine 146 with aspartic acid.
Molecular consequence: missense variant.
Genome position (GRCh38, 1-based): chr1:53,210,110, A>G. VCF-style: chr1-53210110-A-G. GRCh37 (hg19) VCF-style: chr1-53675782-A-G.
Other names: c.436A>G, p.Asn146Asp (NM_001330589.2); short protein forms N146D.
Identifiers: ClinVar variation 2414056 (VCV002414056.6), dbSNP rs2525586082, ClinGen allele CA340392131.

ClinVar aggregate classification (germline): Uncertain significance (1 of 4 stars; one submission).

Conditions:
Carnitine palmitoyltransferase II deficiency. Also called: Carnitine Palmitoyltransferase 2 Deficiency. Identifiers: Orphanet 157, MedGen C0342790, MONDO:0015515.

Allele frequency attached by ClinVar (database versions not stated): gnomAD exomes below 0.00001.

Submission:

Labcorp Genetics (formerly Invitae), Labcorp
Classification: Uncertain significance for Carnitine palmitoyltransferase II deficiency. Last evaluated: 2024-01-08. Review status: criteria provided, single submitter. Criteria: Invitae Variant Classification Sherloc (09022015). Collection method: clinical testing. Allele origin: germline.
Comment: This sequence change replaces asparagine, which is neutral and polar, with aspartic acid, which is acidic and polar, at codon 146 of the CPT2 protein (p.Asn146Asp). This variant is not present in population databases (gnomAD no frequency). This variant has not been reported in the literature in individuals affected with CPT2-related conditions. ClinVar contains an entry for this variant (Variation ID: 2414056). Advanced modeling of protein sequence and biophysical properties (such as structural, functional, and spatial information, amino acid conservation, physicochemical variation, residue mobility, and thermodynamic stability) performed at Invitae indicates that this missense variant is expected to disrupt CPT2 protein function with a positive predictive value of 80%. In summary, the available evidence is currently insufficient to determine the role of this variant in disease. Therefore, it has been classified as a Variant of Uncertain Significance.